The following is an entry in ClinVar:

ClinVar aggregate classification (germline): Uncertain significance. Review status: criteria provided, multiple submitters, no conflicts (2 of 4 stars). 2 submissions from 2 submitters: Uncertain significance (2). Last evaluated 2024-05-24.

Allele frequency attached by ClinVar (database versions not stated): gnomAD 0.00003 and 0.00004; TOPMed 0.00003; gnomAD exomes 0.00002.
gnomAD v4.1: 51 of 1,613,664 alleles (0.0032%); highest among the groups gnomAD compares: Non-Finnish European, 0.0039%; no homozygotes.

Submissions (2):

Blueprint Genetics
Classification: Uncertain significance. Last evaluated: 2024-05-24. Review status: criteria provided, single submitter. Criteria: ACMG Guidelines, 2015. Collection method: clinical testing. Allele origin: germline.

Labcorp Genetics (formerly Invitae), Labcorp
Classification: Uncertain significance. Last evaluated: 2022-07-19. Review status: criteria provided, single submitter. Criteria: Invitae Variant Classification Sherloc (09022015). Collection method: clinical testing. Allele origin: germline.
Comment: This sequence change replaces arginine, which is basic and polar, with cysteine, which is neutral and slightly polar, at codon 352 of the GRM6 protein (p.Arg352Cys). This variant is present in population databases (rs754475848, gnomAD 0.008%). This missense change has been observed in individual(s) with congenitalstationary night blindness (PMID: 22008250). ClinVar contains an entry for this variant (Variation ID: 1057659). Algorithms developed to predict the effect of missense changes on protein structure and function are either unavailable or do not agree on the potential impact of this missense change (SIFT: "Deleterious"; PolyPhen-2: "Benign"; Align-GVGD: "Class C0"). In summary, the available evidence is currently insufficient to determine the role of this variant in disease. Therefore, it has been classified as a Variant of Uncertain Significance.

Literature cited by the submitters: PubMed 22008250 (cited by Labcorp Genetics (formerly Invitae), Labcorp).

NM_000843.4(GRM6):c.1054C>T (p.Arg352Cys)

Genes: GRM6 (glutamate metabotropic receptor 6; minus strand), ZNF454 (zinc finger protein 454; plus strand). Cytogenetic location: 5q35.3.
Variant type: single nucleotide variant.
Coding change: c.1054C>T on transcript NM_000843.4 (MANE Select); coding-DNA position 1054, C replaced by T.
Protein change: p.Arg352Cys; replaces arginine 352 with cysteine.
Molecular consequence: missense variant.
Genome position (GRCh38, 1-based): chr5:178,989,364, G>A on the plus strand (C>T on the coding strand, the complement: GRM6 is on the minus strand). VCF-style: chr5-178989364-G-A. GRCh37 (hg19) VCF-style: chr5-178416365-G-A.
Other names: short protein forms R352C.
Identifiers: ClinVar variation 1057659 (VCV001057659.5), dbSNP rs754475848, ClinGen allele CA133027986.